The following is an entry in ClinVar:

NM_001164508.2(NEB):c.8458_8459del (p.Ser2820fs)

Gene: NEB (nebulin; minus strand). Cytogenetic location: 2q23.3.
Variant type: Deletion.
Coding change: c.8458_8459del on transcript NM_001164508.2 (MANE Select); coding-DNA positions 8458 to 8459, 2 bases deleted (TC; older notation c.8458_8459delTC).
Protein change: p.Ser2820fs; shifts the reading frame from serine 2820.
Molecular consequence: frameshift variant.
Genome position (GRCh38, 1-based): chr2:151,640,581-151,640,582, GA deleted on the plus strand (TC on the coding strand, the reverse complement: NEB is on the minus strand). VCF-style (leftmost placement, unchanged base first): chr2-151640580-GGA-G. GRCh37 (hg19) VCF-style: chr2-152497094-GGA-G.
Other names: c.8458_8459del, p.Ser2820fs (NM_001164507.2, NM_001271208.2, NM_004543.5); short protein forms S2820fs.
Identifiers: ClinVar variation 644503 (VCV000644503.8), dbSNP rs776982138, ClinGen allele CA1909575.
Genomic context (GRCh38, chr2:151,640,580, plus strand): 5'-CTTCCACTTCTCAAAGTCCTTCTTGTACTCCCTGTCACTCTGGATCTTGGCCACGTGCAT[GGA>G]CCACATCATCTTGGGGTCATCACGTATAGCTCGGGCACCAATGTGGTGGCCGAGCTGCTT-3'

ClinVar aggregate classification (germline): Pathogenic (1 of 4 stars; one submission).

Conditions:
Nemaline myopathy 2 (NEM2). Also called: Nemaline myopathy 2, autosomal recessive. Identifiers: MedGen C1850569, MONDO:0009725, OMIM 256030.

Allele frequency attached by ClinVar (database versions not stated): gnomAD exomes below 0.00001; ExAC 0.00001.

Submission:

Labcorp Genetics (formerly Invitae), Labcorp
Classification: Pathogenic for Nemaline myopathy 2. Last evaluated: 2018-12-13. Review status: criteria provided, single submitter. Criteria: Invitae Variant Classification Sherloc (09022015). Collection method: clinical testing. Allele origin: germline.
Comment: This sequence change creates a premature translational stop signal (p.Ser2820Hisfs*9) in the NEB gene. It is expected to result in an absent or disrupted protein product. This variant is present in population databases (rs776982138, ExAC 0.02%). For these reasons, this variant has been classified as Pathogenic. Loss-of-function variants in NEB are known to be pathogenic (PMID: 25205138). This variant has been observed in an individual affected with nemaline myopathy (PMID: 16917880). This variant is also known as g.[92575_92576delTC], p.Ser2820fs in the literature.

Literature cited by the submitters: PubMed 25205138; PubMed 16917880.